The following is an entry in ClinVar:

NM_000059.4(BRCA2):c.5442_5445dup (p.Ser1816delinsAspTer)

Gene: BRCA2 (BRCA2 DNA repair associated; plus strand). Cytogenetic location: 13q13.1.
Variant type: Duplication.
Coding change: c.5442_5445dup on transcript NM_000059.4 (MANE Select); coding-DNA positions 5442 to 5445, 4 bases duplicated (GACT; older notation c.5442_5445dupGACT).
Protein change: p.Ser1816delinsAspTer.
Molecular consequence: nonsense.
Genome position (GRCh38, 1-based): chr13:32,339,797-32,339,800, GACT duplicated; duplicating any 4 consecutive bases within chr13:32,339,796-32,339,800 gives the same sequence; the c. name uses the placement nearest the transcript's 3' end. VCF-style (leftmost placement, unchanged base first): chr13-32339795-G-GTGAC. GRCh37 (hg19) VCF-style: chr13-32913932-G-GTGAC.
Other names: 5673_5674insGACT.
Identifiers: ClinVar variation 266876 (VCV000266876.5), dbSNP rs886040591, ClinGen allele CA10589313.

ClinVar aggregate classification (germline): Pathogenic. Review status: reviewed by expert panel (3 of 4 stars). 2 submissions from 2 submitters: Pathogenic (1). 1 of the submissions does not count toward it. Last evaluated 2016-10-18.

Conditions:
Breast-ovarian cancer, familial, susceptibility to, 2 (BROVCA2). Also called: BRCA2 Hereditary Breast and Ovarian Cancer. Identifiers: Orphanet 145, MedGen C2675520, MONDO:0012933, OMIM 612555. Disease mechanism: loss of function.

Submissions (2):

Evidence-based Network for the Interpretation of Germline Mutant Alleles (ENIGMA)
Classification: Pathogenic for Breast-ovarian cancer, familial, susceptibility to, 2. Last evaluated: 2016-10-18. Review status: reviewed by expert panel. Criteria: ENIGMA BRCA1/2 Classification Criteria (2015). Collection method: curation. Allele origin: germline.
Comment: Variant allele predicted to encode a truncated non-functional protein.

Consortium of Investigators of Modifiers of BRCA1/2 (CIMBA), c/o University of Cambridge
Classification: Pathogenic for Breast-ovarian cancer, familial, susceptibility to, 2. Last evaluated: 2015-10-02. Review status: criteria provided, single submitter. Criteria: CIMBA Mutation Classification guidelines May 2016. Collection method: clinical testing. Allele origin: germline. Not counted in ClinVar's aggregate classification.